The following is an entry in ClinVar:

ClinVar aggregate classification (germline): Pathogenic/Likely pathogenic. Review status: criteria provided, multiple submitters, no conflicts (2 of 4 stars). 3 submissions from 3 submitters: Pathogenic (2); Likely pathogenic (1). Last evaluated 2025-03-18.

Conditions:
Duchenne muscular dystrophy (DMD). Also called: MUSCULAR DYSTROPHY, PSEUDOHYPERTROPHIC PROGRESSIVE, DUCHENNE TYPE; Duchenne Muscular Dystrophy (DMD). Identifiers: Orphanet 98896, MedGen C0013264, MONDO:0010679, OMIM 310200.
Muscular dystrophy. Identifiers: Orphanet 98473, MedGen C0026850, MeSH D009136, MONDO:0020121, HP:0003560.

Submissions (3):

Revvity Omics, Revvity
Classification: Likely pathogenic. Last evaluated: 2025-03-18. Review status: criteria provided, single submitter. Criteria: ACMG Guidelines, 2015. Collection method: clinical testing. Allele origin: germline.

Labcorp Genetics (formerly Invitae), Labcorp
Classification: Pathogenic for Duchenne muscular dystrophy. Last evaluated: 2020-10-14. Review status: criteria provided, single submitter. Criteria: Invitae Variant Classification Sherloc (09022015). Collection method: clinical testing. Allele origin: germline.
Comment: For these reasons, this variant has been classified as Pathogenic. Loss-of-function variants in DMD are known to be pathogenic (PMID: 16770791, 25007885). This variant has not been reported in the literature in individuals with DMD-related conditions. This variant is not present in population databases (ExAC no frequency). This sequence change creates a premature translational stop signal (p.Leu1424*) in the DMD gene. It is expected to result in an absent or disrupted protein product.

MNM Diagnostics
Classification: Pathogenic for Muscular dystrophy. Last evaluated: 2020-05-08. Review status: criteria provided, single submitter. Criteria: ACMG Guidelines, 2015. Collection method: clinical testing. Allele origin: de novo. Affected: yes.
Comment: According to ACMG Guidelines, the variant meets the following criteria of pathogenicity: PVS1, PM2, PP4.

Literature cited by the submitters: PubMed 16770791 (cited by Labcorp Genetics (formerly Invitae), Labcorp); PubMed 25007885 (cited by Labcorp Genetics (formerly Invitae), Labcorp).

NM_004006.3(DMD):c.4271T>A (p.Leu1424Ter)

Gene: DMD (dystrophin; minus strand). Cytogenetic location: Xp21.1.
Variant type: single nucleotide variant.
Coding change: c.4271T>A on transcript NM_004006.3 (MANE Select); coding-DNA position 4271, T replaced by A.
Protein change: p.Leu1424Ter; replaces leucine 1424 with a stop codon.
Molecular consequence: nonsense.
Genome position (GRCh38, 1-based): chrX:32,390,144, A>T on the plus strand (T>A on the coding strand, the complement: DMD is on the minus strand). VCF-style: chrX-32390144-A-T. GRCh37 (hg19) VCF-style: chrX-32408261-A-T.
Other names: c.4271T>A (NM_004006.2); c.4247T>A, p.Leu1416Ter (NM_000109.4); c.4259T>A, p.Leu1420Ter (NM_004009.3); c.3902T>A, p.Leu1301Ter (NM_004010.3); c.248T>A, p.Leu83Ter (NM_004011.4); c.239T>A, p.Leu80Ter (NM_004012.4); short protein forms L1301*, L1416*, L1420*, L1424*, L80*, L83*.
Identifiers: ClinVar variation 989453 (VCV000989453.9), dbSNP rs2097991272, ClinGen allele CA412664133.